The following is an entry in ClinVar:

ClinVar aggregate classification (germline): Likely pathogenic (1 of 4 stars; one submission).

Submission:

GeneDx
Classification: Likely pathogenic. Last evaluated: 2024-07-15. Review status: criteria provided, single submitter. Criteria: GeneDx Variant Classification Process June 2021. Collection method: clinical testing. Allele origin: germline. Affected: yes.
Comment: Not observed at significant frequency in large population cohorts (gnomAD); Missense variants in this gene are a common cause of disease and they are underrepresented in the general population; In silico analysis supports that this missense variant has a deleterious effect on protein structure/function; Has not been previously published as pathogenic or benign to our knowledge; This variant is associated with the following publications: (PMID: 29493581)

NM_002834.5(PTPN11):c.124A>T (p.Thr42Ser)

Gene: PTPN11 (protein tyrosine phosphatase non-receptor type 11; plus strand). Cytogenetic location: 12q24.13.
Variant type: single nucleotide variant.
Coding change: c.124A>T on transcript NM_002834.5 (MANE Select); coding-DNA position 124, A replaced by T.
Protein change: p.Thr42Ser; replaces threonine 42 with serine.
Molecular consequence: missense variant.
Genome position (GRCh38, 1-based): chr12:112,446,385, A>T. VCF-style: chr12-112446385-A-T. GRCh37 (hg19) VCF-style: chr12-112884189-A-T.
Other names: c.124A>T, p.Thr42Ser (NM_001330437.2, NM_001374625.1, NM_080601.3); short protein forms T42S.
Identifiers: ClinVar variation 3573673 (VCV003573673.1).